The following is an entry in ClinVar:

ClinVar aggregate classification (germline): Conflicting classifications of pathogenicity. Review status: criteria provided, conflicting classifications (1 of 4 stars). 3 submissions from 3 submitters: Uncertain significance (2); Likely benign (1). Last evaluated 2025-06-10.

Conditions:
Cardiovascular phenotype. Identifiers: MedGen CN230736.

Allele frequency attached by ClinVar (database versions not stated): gnomAD exomes below 0.00001; TOPMed 0.00001.

Submissions (3):

Ambry Genetics
Classification: Uncertain significance for Cardiovascular phenotype. Last evaluated: 2025-06-10. Review status: criteria provided, single submitter. Criteria: Ambry Variant Classification Scheme 2023. Collection method: clinical testing. Allele origin: germline.
Comment: The p.A24T variant (also known as c.70G>A), located in coding exon 1 of the ZNF469 gene, results from a G to A substitution at nucleotide position 70. The alanine at codon 24 is replaced by threonine, an amino acid with similar properties. This amino acid position is conserved. In addition, this alteration is predicted to be tolerated by in silico analysis. Based on the available evidence, the clinical significance of this variant remains unclear.

Blueprint Genetics
Classification: Likely benign. Last evaluated: 2024-06-06. Review status: criteria provided, single submitter. Criteria: ACMG Guidelines, 2015. Collection method: clinical testing. Allele origin: germline.

Labcorp Genetics (formerly Invitae), Labcorp
Classification: Uncertain significance. Last evaluated: 2023-01-31. Review status: criteria provided, single submitter. Criteria: Invitae Variant Classification Sherloc (09022015). Collection method: clinical testing. Allele origin: germline.
Comment: This sequence change replaces alanine, which is neutral and non-polar, with threonine, which is neutral and polar, at codon 24 of the ZNF469 protein (p.Ala24Thr). This variant is present in population databases (no rsID available, gnomAD 0.008%). This variant has not been reported in the literature in individuals affected with ZNF469-related conditions. Algorithms developed to predict the effect of missense changes on protein structure and function output the following: SIFT: "Deleterious"; PolyPhen-2: "Benign"; Align-GVGD: "Class C0". The threonine amino acid residue is found in multiple mammalian species, which suggests that this missense change does not adversely affect protein function. In summary, the available evidence is currently insufficient to determine the role of this variant in disease. Therefore, it has been classified as a Variant of Uncertain Significance.

NM_001367624.2(ZNF469):c.70G>A (p.Ala24Thr)

Gene: ZNF469 (zinc finger protein 469; plus strand). Cytogenetic location: 16q24.2.
Variant type: single nucleotide variant.
Coding change: c.70G>A on transcript NM_001367624.2 (MANE Select); coding-DNA position 70, G replaced by A.
Protein change: p.Ala24Thr; replaces alanine 24 with threonine.
Molecular consequence: missense variant.
Genome position (GRCh38, 1-based): chr16:88,427,540, G>A. VCF-style: chr16-88427540-G-A. GRCh37 (hg19) VCF-style: chr16-88493948-G-A.
Other names: NM_001127464.1:c.70G>A; short protein forms A24T.
Identifiers: ClinVar variation 2881919 (VCV002881919.5), dbSNP rs1342788006, ClinGen allele CA397057734.